The following is an entry in ClinVar:

NM_003076.5(SMARCD1):c.112G>A (p.Val38Met)

Genes: SMARCD1 (SWI/SNF related BAF chromatin remodeling complex subunit D1; plus strand), LOC130007872 (ATAC-STARR-seq lymphoblastoid silent region 4446; plus strand). Cytogenetic location: 12q13.12.
Variant type: single nucleotide variant.
Coding change: c.112G>A on transcript NM_003076.5 (MANE Select); coding-DNA position 112, G replaced by A.
Protein change: p.Val38Met; replaces valine 38 with methionine.
Molecular consequence: missense variant.
Genome position (GRCh38, 1-based): chr12:50,085,481, G>A. VCF-style: chr12-50085481-G-A. GRCh37 (hg19) VCF-style: chr12-50479264-G-A.
Other names: c.112G>A, p.Val38Met (NM_139071.3); short protein forms V38M.
Identifiers: ClinVar variation 5001730 (VCV005001730.1).

ClinVar aggregate classification (germline): Uncertain significance (1 of 4 stars; one submission).

Conditions:
SMARCD1-related condition.

Submission:

PreventionGenetics, part of Exact Sciences
Classification: Uncertain significance for SMARCD1-related condition. Last evaluated: 2025-05-06. Review status: criteria provided, single submitter. Criteria: ACMG Guidelines, 2015. Collection method: clinical testing. Allele origin: germline.
Comment: The SMARCD1 c.112G>A variant is predicted to result in the amino acid substitution p.Val38Met. To our knowledge, this variant has not been reported in the literature or in a large population database (gnomAD), indicating this variant is rare. At this time, the clinical significance of this variant is uncertain due to the absence of conclusive functional and genetic evidence.